The following is an entry in ClinVar:

NM_001242896.3(DEPDC5):c.3092C>A (p.Pro1031His)

Gene: DEPDC5 (DEP domain containing 5, GATOR1 subcomplex subunit; plus strand). Cytogenetic location: 22q12.3.
Variant type: single nucleotide variant.
Coding change: c.3092C>A on transcript NM_001242896.3 (MANE Select); coding-DNA position 3092, C replaced by A.
Protein change: p.Pro1031His; replaces proline 1031 with histidine.
Molecular consequence: missense variant. On other transcripts: non-coding transcript variant (5).
Genome position (GRCh38, 1-based): chr22:31,846,904, C>A. VCF-style: chr22-31846904-C-A. GRCh37 (hg19) VCF-style: chr22-32242890-C-A.
Other names: c.3065C>A, p.Pro1022His (NM_001136029.4, NM_001369903.1, NM_014662.6); c.2858C>A, p.Pro953His (NM_001242897.2, NM_001363854.2, NM_001364319.2); c.3092C>A, p.Pro1031His (NM_001363852.2, NM_001364318.2, NM_001364320.2); c.3008C>A, p.Pro1003His (NM_001369901.1, NM_001369902.1); short protein forms P1031H, P953H, P1003H, P1022H.
Identifiers: ClinVar variation 264759 (VCV000264759.21), dbSNP rs376744360, ClinGen allele CA10196877.
Genomic context (GRCh38, chr22:31,846,904, plus strand): 5'-CCATGAAAGGCTTGCAGATGACTGGGCCCATTTCCACGCATTCTCTGGAGTCAACTGCAC[C>A]CCCAGTGGGGAAGAAGGGAACCTCAGCTCTCTCTGCCCTGTTGGAGATGGAGGCCAGTCA-3'
Protein context (NP_001229825.1, residues 1021-1041): ISTHSLESTA[Pro1031His]PVGKKGTSAL

ClinVar aggregate classification (germline): Conflicting classifications of pathogenicity. Review status: criteria provided, conflicting classifications (1 of 4 stars). 6 submissions from 6 submitters: Uncertain significance (1); Benign (2); Likely benign (1). 2 of the submissions do not count toward it. Last evaluated 2026-01-15.

Conditions:
DEPDC5-related disorder. Also called: DEPDC5-related condition; DEPDC5-related related disorder.
Familial focal epilepsy with variable foci (FPEVF). Identifiers: Orphanet 98820, MedGen C1858477, MONDO:0020310.
Epilepsy, familial focal, with variable foci 1 (FFEVF1). Also called: DEPDC5-Related Epilepsy. Identifiers: MedGen C4551983, MONDO:0024556, OMIM 604364.

Allele frequency attached by ClinVar (database versions not stated): gnomAD 0.00041; 1000 Genomes Project 30x 0.00078; 1000 Genomes Project 0.00100; ExAC 0.00059; TOPMed 0.00053.
gnomAD v4.1: 189 of 1,614,208 alleles (0.012%); highest among the groups gnomAD compares: East Asian, 0.32%; no homozygotes.

Submissions (6):

Labcorp Genetics (formerly Invitae), Labcorp
Classification: Benign for Familial focal epilepsy with variable foci. Last evaluated: 2026-01-15. Review status: criteria provided, single submitter. Criteria: Invitae Variant Classification Sherloc (09022015). Collection method: clinical testing. Allele origin: germline.

Blueprint Genetics
Classification: Likely benign. Last evaluated: 2024-09-18. Review status: criteria provided, single submitter. Criteria: ACMG Guidelines, 2015. Collection method: clinical testing. Allele origin: germline.

Institute for Clinical Genetics, University Hospital TU Dresden, University Hospital TU Dresden
Classification: Uncertain significance. Last evaluated: 2021-11-03. Review status: criteria provided, single submitter. Criteria: ACMG Guidelines, 2015. Collection method: clinical testing. Allele origin: germline.

GeneDx
Classification: Benign. Last evaluated: 2020-01-08. Review status: criteria provided, single submitter. Criteria: GeneDx Variant Classification Process June 2021. Collection method: clinical testing. Allele origin: germline. Affected: yes.
Comment: This variant is associated with the following publications: (PMID: 32848577, 31875159, 31180159, 27683934, 27066554)

PreventionGenetics, part of Exact Sciences
Classification: Likely benign for DEPDC5-related condition. Last evaluated: 2020-10-27. Review status: no assertion criteria provided. Collection method: clinical testing. Allele origin: germline. Not counted in ClinVar's aggregate classification.
Comment: This variant is classified as likely benign based on ACMG/AMP sequence variant interpretation guidelines (Richards et al. 2015 PMID: 25741868, with internal and published modifications).

GeneReviews
No classification provided. Condition: Epilepsy, familial focal, with variable foci 1. Review status: no classification provided. Collection method: literature only. Allele origin: germline. Affected: yes. Not counted in ClinVar's aggregate classification.

Literature cited by the submitters: PubMed 27066554 (cited by GeneReviews); NCBI Bookshelf NBK385626 (cited by GeneReviews).